The following is an entry in ClinVar:

NM_005228.5(EGFR):c.796C>T (p.Pro266Ser)

Gene: EGFR (epidermal growth factor receptor; plus strand). Cytogenetic location: 7p11.2.
Variant type: single nucleotide variant.
Coding change: c.796C>T on transcript NM_005228.5 (MANE Select); coding-DNA position 796, C replaced by T.
Protein change: p.Pro266Ser; replaces proline 266 with serine.
Molecular consequence: missense variant. On other transcripts: intron variant (1).
Genome position (GRCh38, 1-based): chr7:55,154,059, C>T. VCF-style: chr7-55154059-C-T. GRCh37 (hg19) VCF-style: chr7-55221752-C-T.
Other names: c.796C>T, p.Pro266Ser (NM_201284.2, NM_001346898.2, NM_201282.2 and 1 more transcripts); c.89-1771C>T (NM_001346941.2); c.661C>T, p.Pro221Ser (NM_001346897.2, NM_001346899.2); c.637C>T, p.Pro213Ser (NM_001346900.2); short protein forms P266S, P213S, P221S.
Identifiers: ClinVar variation 2884626 (VCV002884626.4), dbSNP rs1785287815, ClinGen allele CA367577690.

ClinVar aggregate classification (germline): Uncertain significance. Review status: criteria provided, multiple submitters, no conflicts (2 of 4 stars). 2 submissions from 2 submitters: Uncertain significance (2). Last evaluated 2025-10-06.

Conditions:
EGFR-related lung cancer (EGFR). Identifiers: MedGen CN130014.
Hereditary cancer-predisposing syndrome. Also called: Hereditary Cancer Syndrome; Hereditary neoplastic syndrome; Tumor predisposition; Neoplastic Syndromes, Hereditary. Identifiers: Orphanet 140162, MedGen C0027672, MeSH D009386, MONDO:0015356.

Allele frequency attached by ClinVar (database versions not stated): TOPMed below 0.00001.

Submissions (2):

Labcorp Genetics (formerly Invitae), Labcorp
Classification: Uncertain significance for EGFR-related lung cancer. Last evaluated: 2025-10-06. Review status: criteria provided, single submitter. Criteria: Invitae Variant Classification Sherloc (09022015). Collection method: clinical testing. Allele origin: germline.
Comment: This sequence change replaces proline, which is neutral and non-polar, with serine, which is neutral and polar, at codon 266 of the EGFR protein (p.Pro266Ser). This variant is not present in population databases (gnomAD no frequency). This variant has not been reported in the literature in individuals affected with EGFR-related conditions. ClinVar contains an entry for this variant (Variation ID: 2884626). Invitae Evidence Modeling of protein sequence and biophysical properties (such as structural, functional, and spatial information, amino acid conservation, physicochemical variation, residue mobility, and thermodynamic stability) indicates that this missense variant is not expected to disrupt EGFR protein function with a negative predictive value of 80%. In summary, the available evidence is currently insufficient to determine the role of this variant in disease. Therefore, it has been classified as a Variant of Uncertain Significance.

Ambry Genetics
Classification: Uncertain significance for Hereditary cancer-predisposing syndrome. Last evaluated: 2025-04-18. Review status: criteria provided, single submitter. Criteria: Ambry Variant Classification Scheme 2023. Collection method: clinical testing. Allele origin: germline.
Comment: The p.P266S variant (also known as c.796C>T), located in coding exon 7 of the EGFR gene, results from a C to T substitution at nucleotide position 796. The proline at codon 266 is replaced by serine, an amino acid with similar properties. This amino acid position is conserved. In addition, this alteration is predicted to be tolerated by in silico analysis. Based on the available evidence, the clinical significance of this variant remains unclear.